The following is an entry in ClinVar:

NM_001378969.1(KCND3):c.-27del

Gene: KCND3 (potassium voltage-gated channel subfamily D member 3; minus strand). Cytogenetic location: 1p13.2.
Variant type: Deletion.
Coding change: c.-27del on transcript NM_001378969.1 (MANE Select); 27 bases upstream of the start codon, one base deleted (G; older notation c.-27delG).
Molecular consequence: 5 prime UTR variant.
Genome position (GRCh38, 1-based): chr1:111,982,753, C deleted on the plus strand (G on the coding strand, the reverse complement: KCND3 is on the minus strand); the first of 2 consecutive C bases (chr1:111,982,753-111,982,754); deleting either gives the same sequence. VCF-style (leftmost placement, unchanged base first): chr1-111982752-GC-G. GRCh37 (hg19) VCF-style: chr1-112525374-GC-G.
Other names: c.-27del (NM_001378970.1, NM_004980.5, NM_172198.3); c.-27delG (NM_004980.4).
Identifiers: ClinVar variation 508502 (VCV000508502.1), dbSNP rs371333782, ClinGen allele CA1007670.

ClinVar aggregate classification (germline): Likely benign (1 of 4 stars; one submission).

Submission:

GeneDx
Classification: Likely benign. Last evaluated: 2017-11-02. Review status: criteria provided, single submitter. Criteria: GeneDx Variant Classification (06012015). Collection method: clinical testing. Allele origin: germline. Affected: yes.
Comment: This variant is considered likely benign or benign based on one or more of the following criteria: it is a conservative change, it occurs at a poorly conserved position in the protein, it is predicted to be benign by multiple in silico algorithms, and/or has population frequency not consistent with disease.